The following is an entry in ClinVar:

ClinVar aggregate classification (germline): Uncertain significance (1 of 4 stars; one submission).

Allele frequency attached by ClinVar (database versions not stated): gnomAD exomes below 0.00001.
gnomAD v4.1: 2 of 1,612,768 alleles (0.00012%); highest among the groups gnomAD compares: Non-Finnish European, 0.000085%; no homozygotes.

Submission:

GeneDx
Classification: Uncertain significance. Last evaluated: 2021-04-05. Review status: criteria provided, single submitter. Criteria: GeneDx Variant Classification Process June 2021. Collection method: clinical testing. Allele origin: germline. Affected: yes.
Comment: In silico analysis supports that this missense variant does not alter protein structure/function; Has not been previously published as pathogenic or benign to our knowledge

NM_001112741.2(KCNC1):c.946G>A (p.Val316Met)

Gene: KCNC1 (potassium voltage-gated channel subfamily C member 1; plus strand). Cytogenetic location: 11p15.1.
Variant type: single nucleotide variant.
Coding change: c.946G>A on transcript NM_001112741.2 (MANE Select); coding-DNA position 946, G replaced by A.
Protein change: p.Val316Met; replaces valine 316 with methionine.
Molecular consequence: missense variant.
Genome position (GRCh38, 1-based): chr11:17,772,040, G>A. VCF-style: chr11-17772040-G-A. GRCh37 (hg19) VCF-style: chr11-17793587-G-A.
Other names: c.946G>A, p.Val316Met (NM_004976.4); short protein forms V316M.
Identifiers: ClinVar variation 1314562 (VCV001314562.2), dbSNP rs1238808659, ClinGen allele CA379807192.